The following is an entry in ClinVar:

ClinVar aggregate classification (germline): Uncertain significance (1 of 4 stars; one submission).

Submission:

Labcorp Genetics (formerly Invitae), Labcorp
Classification: Uncertain significance. Last evaluated: 2024-04-22. Review status: criteria provided, single submitter. Criteria: Invitae Variant Classification Sherloc (09022015). Collection method: clinical testing. Allele origin: germline.
Comment: This sequence change replaces asparagine, which is neutral and polar, with threonine, which is neutral and polar, at codon 404 of the KRT6B protein (p.Asn404Thr). This variant is not present in population databases (gnomAD no frequency). This variant has not been reported in the literature in individuals affected with KRT6B-related conditions. Advanced modeling of protein sequence and biophysical properties (such as structural, functional, and spatial information, amino acid conservation, physicochemical variation, residue mobility, and thermodynamic stability) performed at Invitae indicates that this missense variant is not expected to disrupt KRT6B protein function with a negative predictive value of 80%. In summary, the available evidence is currently insufficient to determine the role of this variant in disease. Therefore, it has been classified as a Variant of Uncertain Significance.

NM_005555.4(KRT6B):c.1211A>C (p.Asn404Thr)

Gene: KRT6B (keratin 6B; minus strand). Cytogenetic location: 12q13.13.
Variant type: single nucleotide variant.
Coding change: c.1211A>C on transcript NM_005555.4 (MANE Select); coding-DNA position 1211, A replaced by C.
Protein change: p.Asn404Thr; replaces asparagine 404 with threonine.
Molecular consequence: missense variant.
Genome position (GRCh38, 1-based): chr12:52,447,991, T>G on the plus strand (A>C on the coding strand, the complement: KRT6B is on the minus strand). VCF-style: chr12-52447991-T-G. GRCh37 (hg19) VCF-style: chr12-52841775-T-G.
Other names: short protein forms N404T.
Identifiers: ClinVar variation 3620798 (VCV003620798.2).